The following is an entry in ClinVar:

NM_001077350.3(NPRL3):c.1114G>T (p.Val372Phe)

Genes: HBA-LCR (alpha-globin locus control region; plus strand), NPRL3 (NPR3 like, GATOR1 complex subunit; minus strand). Cytogenetic location: 16p13.3.
Variant type: single nucleotide variant.
Coding change: c.1114G>T on transcript NM_001077350.3 (MANE Select); coding-DNA position 1114, G replaced by T.
Protein change: p.Val372Phe; replaces valine 372 with phenylalanine.
Molecular consequence: missense variant.
Genome position (GRCh38, 1-based): chr16:92,643, C>A on the plus strand (G>T on the coding strand, the complement: NPRL3 is on the minus strand). VCF-style: chr16-92643-C-A. GRCh37 (hg19) VCF-style: chr16-142641-C-A.
Other names: c.577G>T, p.Val193Phe (NM_001039476.3); c.880G>T, p.Val294Phe (NM_001243247.2); c.1039G>T, p.Val347Phe (NM_001243248.2, NM_001243249.2); short protein forms V193F, V294F, V347F, V372F.
Identifiers: ClinVar variation 3908064 (VCV003908064.1).

ClinVar aggregate classification (germline): Uncertain significance (1 of 4 stars; one submission).

Submission:

GeneDx
Classification: Uncertain significance. Last evaluated: 2024-12-27. Review status: criteria provided, single submitter. Criteria: GeneDx Variant Classification Process June 2021. Collection method: clinical testing. Allele origin: germline. Affected: yes.
Comment: Not observed at significant frequency in large population cohorts (gnomAD); In silico analysis supports that this missense variant has a deleterious effect on protein structure/function; Has not been previously published as pathogenic or benign to our knowledge